The following is an entry in ClinVar:

NM_000179.3(MSH6):c.3570T>C (p.Phe1190=)

Gene: MSH6 (mutS homolog 6; plus strand). Cytogenetic location: 2p16.3.
Variant type: single nucleotide variant.
Coding change: c.3570T>C on transcript NM_000179.3 (MANE Select); coding-DNA position 3570, T replaced by C.
Protein change: p.Phe1190=; no amino-acid change (phenylalanine 1190 retained).
Molecular consequence: synonymous variant.
Genome position (GRCh38, 1-based): chr2:47,805,631, T>C. VCF-style: chr2-47805631-T-C. GRCh37 (hg19) VCF-style: chr2-48032770-T-C.
Other names: c.3180T>C, p.Phe1060= (NM_001281492.2); c.2664T>C, p.Phe888= (NM_001281493.2, NM_001281494.2).
Identifiers: ClinVar variation 416192 (VCV000416192.10), dbSNP rs1060504765, ClinGen allele CA16611068.

ClinVar aggregate classification (germline): Benign/Likely benign. Review status: criteria provided, multiple submitters, no conflicts (2 of 4 stars). 2 submissions from 2 submitters: Benign (1); Likely benign (1). Last evaluated 2025-01-07.

Conditions:
Hereditary nonpolyposis colorectal neoplasms. Identifiers: MedGen C0009405, MeSH D003123.
Lynch syndrome 5 (LYNCH5). Also called: Hereditary non-polyposis colorectal cancer, type 5; Colorectal cancer, hereditary nonpolyposis, type 5. Identifiers: Orphanet 144, MedGen C1833477, MONDO:0013710, OMIM 614350. Disease mechanism: loss of function.

Submissions (2):

Myriad Genetics, Inc.
Classification: Benign for Lynch syndrome 5. Last evaluated: 2025-01-07. Review status: criteria provided, single submitter. Criteria: Myriad Autosomal Dominant, Autosomal Recessive and X-Linked Classification Criteria (2023). Collection method: clinical testing. Allele origin: unknown.
Comment: This variant is considered benign. This variant is a silent/synonymous amino acid change and it is not expected to impact splicing.

Labcorp Genetics (formerly Invitae), Labcorp
Classification: Likely benign for Hereditary nonpolyposis colorectal neoplasms. Last evaluated: 2016-07-12. Review status: criteria provided, single submitter. Criteria: Invitae Variant Classification Sherloc (09022015). Collection method: clinical testing. Allele origin: germline.